The following is an entry in ClinVar:

ClinVar aggregate classification (germline): Uncertain significance (1 of 4 stars; one submission).

Conditions:
Arthrogryposis multiplex congenita 4, neurogenic, with agenesis of the corpus callosum. Also called: ARTHROGRYPOSIS MULTIPLEX CONGENITA, NEUROGENIC, WITH AGENESIS OF THE CORPUS CALLOSUM; ZAIN SYNDROME. Identifiers: MedGen C5231494, MONDO:0032903, OMIM 618766.

Submission:

Kasturba Medical College, Manipal, Kasturba Medical College, Manipal, Manipal Academy of Higher Education, Manipal, India
Classification: Uncertain significance for Arthrogryposis multiplex congenita 4, neurogenic, with agenesis of the corpus callosum. Review status: criteria provided, single submitter. Criteria: ACMG Guidelines, 2015. Collection method: research. Allele origin: biparental. Inheritance: Autosomal recessive inheritance. Affected: yes. Observed: 1 homozygote.
Comment: The above-mentioned variant is observed in gnomAD (v4.0.0) database in fourteen individuals in heterozygous state (allele frequency- 0.000008987) and is absent in our inhouse exome data of 3076 individuals. In silico prediction tool (Mutation Taster, CADD Phred) predicts the variant to be disease causing and may result in the formation of non-functional protein.

NM_017988.6(SCYL2):c.1748TTAATC[1] (p.583LN[1])

Gene: SCYL2 (SCY1 like pseudokinase 2; plus strand). Cytogenetic location: 12q23.1.
Variant type: Microsatellite.
Coding change: c.1748TTAATC[1] on transcript NM_017988.6 (MANE Select); one copy of the 6-base unit TTAATC starting at c.1748; the reference has two copies in a row; one copy, 6 bases deleted; also written c.1754_1759del.
Protein change: p.583LN[1].
Genome position (GRCh38, 1-based): chr12:100,329,312-100,329,317, TTAATC deleted; deleting any 6 consecutive bases within chr12:100,329,302-100,329,317 gives the same sequence; the position shown is the placement nearest the transcript's 3' end. VCF-style (leftmost placement, unchanged base first): chr12-100329301-CAATCTT-C. GRCh37 (hg19) VCF-style: chr12-100723079-CAATCTT-C.
Other names: c.1748TTAATC[1], p.583LN[1] (NM_001317784.2); c.1760TTAATC[1], p.587LN[1] (NM_001330253.2, NM_001330254.2); c.1241TTAATC[1], p.414LN[1] (NM_001330256.2); c.1754_1759del (NM_017988.6).
Identifiers: ClinVar variation 3900617 (VCV003900617.1).